The following is an entry in ClinVar:

NM_020975.6(RET):c.820G>A (p.Ala274Thr)

Gene: RET (ret proto-oncogene; plus strand). Cytogenetic location: 10q11.21.
Variant type: single nucleotide variant.
Coding change: c.820G>A on transcript NM_020975.6 (MANE Select); coding-DNA position 820, G replaced by A.
Protein change: p.Ala274Thr; replaces alanine 274 with threonine.
Molecular consequence: missense variant.
Genome position (GRCh38, 1-based): chr10:43,105,146, G>A. VCF-style: chr10-43105146-G-A. GRCh37 (hg19) VCF-style: chr10-43600594-G-A.
Other names: c.820G>A, p.Ala274Thr (NM_000323.2, NM_001406743.1, NM_001406744.1 and 8 more transcripts); c.58G>A, p.Ala20Thr (NM_001355216.2); c.691G>A, p.Ala231Thr (NM_001406761.1, NM_001406762.1, NM_001406764.1 and 2 more transcripts); c.532G>A, p.Ala178Thr (NM_001406766.1, NM_001406767.1, NM_001406770.1); short protein forms A20T, A274T, A178T, A231T.
Identifiers: ClinVar variation 840514 (VCV000840514.12), dbSNP rs1837738287, ClinGen allele CA376545212.

ClinVar aggregate classification (germline): Uncertain significance. Review status: criteria provided, multiple submitters, no conflicts (2 of 4 stars). 2 submissions from 2 submitters: Uncertain significance (2). Last evaluated 2025-10-17.

Conditions:
Hereditary cancer-predisposing syndrome. Also called: Neoplastic Syndromes, Hereditary; Tumor predisposition; Hereditary neoplastic syndrome; Hereditary Cancer Syndrome. Identifiers: Orphanet 140162, MedGen C0027672, MeSH D009386, MONDO:0015356.
Multiple endocrine neoplasia, type 2 (MEN2). Identifiers: Orphanet 653, MedGen C4048306, MONDO:0019003. Disease mechanism: gain of function.

Allele frequency attached by ClinVar (database versions not stated): gnomAD exomes 0.00001.
gnomAD v4.1: 11 of 1,612,656 alleles (0.00068%); highest among the groups gnomAD compares: Non-Finnish European, 0.00093%; no homozygotes.

Submissions (2):

Labcorp Genetics (formerly Invitae), Labcorp
Classification: Uncertain significance for Multiple endocrine neoplasia, type 2. Last evaluated: 2025-10-17. Review status: criteria provided, single submitter. Criteria: Invitae Variant Classification Sherloc (09022015). Collection method: clinical testing. Allele origin: germline.
Comment: This sequence change replaces alanine, which is neutral and non-polar, with threonine, which is neutral and polar, at codon 274 of the RET protein (p.Ala274Thr). This variant is not present in population databases (gnomAD no frequency). This variant has not been reported in the literature in individuals affected with RET-related conditions. ClinVar contains an entry for this variant (Variation ID: 840514). An algorithm developed to predict the effect of missense changes on protein structure and function outputs the following: PolyPhen-2: "Benign". The threonine amino acid residue is found in multiple mammalian species, which suggests that this missense change does not adversely affect protein function. In summary, the available evidence is currently insufficient to determine the role of this variant in disease. Therefore, it has been classified as a Variant of Uncertain Significance.

Ambry Genetics
Classification: Uncertain significance for Hereditary cancer-predisposing syndrome. Last evaluated: 2025-07-05. Review status: criteria provided, single submitter. Criteria: Ambry Variant Classification Scheme 2023. Collection method: clinical testing. Allele origin: germline.
Comment: The p.A274T variant (also known as c.820G>A), located in coding exon 4 of the RET gene, results from a G to A substitution at nucleotide position 820. The alanine at codon 274 is replaced by threonine, an amino acid with similar properties. This amino acid position is conserved. In addition, this alteration is predicted to be tolerated by in silico analysis. Based on the available evidence, the clinical significance of this variant remains unclear.